The following is an entry in ClinVar:

ClinVar aggregate classification (germline): Uncertain significance (1 of 4 stars; one submission).

Conditions:
Cortical dysplasia-focal epilepsy syndrome (PTHSL1). Also called: Pitt-Hopkins-like syndrome 1. Identifiers: Orphanet 163681, Orphanet 221150, MedGen C2750246, MONDO:0012400, OMIM 610042.

Allele frequency attached by ClinVar (database versions not stated): gnomAD exomes below 0.00001 and 0.00001; ExAC 0.00001; gnomAD 0.00001; TOPMed 0.00002.
gnomAD v4.1: 8 of 1,613,566 alleles (0.0005%); highest among the groups gnomAD compares: Admixed American, 0.0017%; no homozygotes.

Submission:

Labcorp Genetics (formerly Invitae), Labcorp
Classification: Uncertain significance for Cortical dysplasia-focal epilepsy syndrome. Last evaluated: 2022-09-01. Review status: criteria provided, single submitter. Criteria: Invitae Variant Classification Sherloc (09022015). Collection method: clinical testing. Allele origin: germline.
Comment: In summary, the available evidence is currently insufficient to determine the role of this variant in disease. Therefore, it has been classified as a Variant of Uncertain Significance. Experimental studies have shown that this missense change does not substantially affect CNTNAP2 function (PMID: 22872700, 29788201). Algorithms developed to predict the effect of missense changes on protein structure and function output the following: SIFT: "Deleterious"; PolyPhen-2: "Benign"; Align-GVGD: "Class C0". The aspartic acid amino acid residue is found in multiple mammalian species, which suggests that this missense change does not adversely affect protein function. ClinVar contains an entry for this variant (Variation ID: 658643). This missense change has been observed in individual(s) with autism spectrum disorder (ASD) (PMID: 18179895). This variant is present in population databases (rs772179690, gnomAD 0.0009%). This sequence change replaces asparagine, which is neutral and polar, with aspartic acid, which is acidic and polar, at codon 418 of the CNTNAP2 protein (p.Asn418Asp).

Literature cited by the submitters: PubMed 22872700; PubMed 29788201; PubMed 18179895.

NM_014141.6(CNTNAP2):c.1252A>G (p.Asn418Asp)

Gene: CNTNAP2 (contactin associated protein 2; plus strand). Cytogenetic location: 7q35.
Variant type: single nucleotide variant.
Coding change: c.1252A>G on transcript NM_014141.6 (MANE Select); coding-DNA position 1252, A replaced by G.
Protein change: p.Asn418Asp; replaces asparagine 418 with aspartic acid.
Molecular consequence: missense variant.
Genome position (GRCh38, 1-based): chr7:147,132,413, A>G. VCF-style: chr7-147132413-A-G. GRCh37 (hg19) VCF-style: chr7-146829505-A-G.
Other names: short protein forms N418D.
Identifiers: ClinVar variation 658643 (VCV000658643.5), dbSNP rs772179690, ClinGen allele CA4546008.
Genomic context (GRCh38, chr7:147,132,413, plus strand): 5'-AGTTTCCAGTTTAGGACATGGAACCCCAATGGTCTCCTGGTCTTCAGTCACTTTGCGGAT[A>G]ATTTGGGCAATGTGGAGATTGACCTCACTGAAAGCAAAGTGGGTGTTCACATCAACATCA-3'
Protein context (NP_054860.1, residues 408-428): GLLVFSHFAD[Asn418Asp]LGNVEIDLTE